The following is an entry in ClinVar:

ClinVar aggregate classification (germline): Uncertain significance (1 of 4 stars; one submission).

Conditions:
Joubert syndrome. Also called: CEREBELLOPARENCHYMAL DISORDER IV; JOUBERT-BOLTSHAUSER SYNDROME; Familial aplasia of the vermis. Identifiers: Orphanet 475, MedGen C5979921, MONDO:0018772.
Nephronophthisis. Also called: Juvenile Nephronophthisis. Identifiers: Orphanet 655, MedGen C0687120, MONDO:0019005, HP:0000090.
Meckel-Gruber syndrome. Also called: DYSENCEPHALIA SPLANCHNOCYSTICA; GRUBER SYNDROME; Dysencephalia splachnocystica. Identifiers: Orphanet 564, MedGen C0265215, MONDO:0018921.

gnomAD v4.1: 8 of 1,603,288 alleles (0.0005%); highest among the groups gnomAD compares: Non-Finnish European, 0.00068%; no homozygotes.

Submission:

Labcorp Genetics (formerly Invitae), Labcorp
Classification: Uncertain significance for Joubert syndrome; Meckel-Gruber syndrome; Nephronophthisis. Last evaluated: 2024-12-02. Review status: criteria provided, single submitter. Criteria: Invitae Variant Classification Sherloc (09022015). Collection method: clinical testing. Allele origin: germline.
Comment: This sequence change replaces glutamine, which is neutral and polar, with lysine, which is basic and polar, at codon 1887 of the CEP290 protein (p.Gln1887Lys). This variant is not present in population databases (gnomAD no frequency). This variant has not been reported in the literature in individuals affected with CEP290-related conditions. ClinVar contains an entry for this variant (Variation ID: 2924162). Invitae Evidence Modeling of protein sequence and biophysical properties (such as structural, functional, and spatial information, amino acid conservation, physicochemical variation, residue mobility, and thermodynamic stability) indicates that this missense variant is not expected to disrupt CEP290 protein function with a negative predictive value of 80%. In summary, the available evidence is currently insufficient to determine the role of this variant in disease. Therefore, it has been classified as a Variant of Uncertain Significance.

NM_025114.4(CEP290):c.5659C>A (p.Gln1887Lys)

Gene: CEP290 (centrosomal protein 290; minus strand). Cytogenetic location: 12q21.32.
Variant type: single nucleotide variant.
Coding change: c.5659C>A on transcript NM_025114.4 (MANE Select); coding-DNA position 5659, C replaced by A.
Protein change: p.Gln1887Lys; replaces glutamine 1887 with lysine.
Molecular consequence: missense variant.
Genome position (GRCh38, 1-based): chr12:88,077,272, G>T on the plus strand (C>A on the coding strand, the complement: CEP290 is on the minus strand). VCF-style: chr12-88077272-G-T. GRCh37 (hg19) VCF-style: chr12-88471049-G-T.
Other names: short protein forms Q1887K.
Identifiers: ClinVar variation 2924162 (VCV002924162.3), dbSNP rs1353100864, ClinGen allele CA385987519.